The following is an entry in ClinVar:

ClinVar aggregate classification (germline): Uncertain significance (1 of 4 stars; one submission).

Allele frequency attached by ClinVar (database versions not stated): ExAC 0.00001; gnomAD 0.00001; ESP Exome Variant Server 0.00008.
gnomAD v4.1: 8 of 1,544,364 alleles (0.00052%); highest among the groups gnomAD compares: Non-Finnish European, 0.0007%; no homozygotes.

Submission:

Labcorp Genetics (formerly Invitae), Labcorp
Classification: Uncertain significance. Last evaluated: 2024-10-22. Review status: criteria provided, single submitter. Criteria: Invitae Variant Classification Sherloc (09022015). Collection method: clinical testing. Allele origin: germline.
Comment: This sequence change replaces asparagine, which is neutral and polar, with isoleucine, which is neutral and non-polar, at codon 237 of the C11orf70 protein (p.Asn237Ile). This variant is present in population databases (rs150444465, gnomAD 0.001%). This variant has not been reported in the literature in individuals affected with C11orf70-related conditions. ClinVar contains an entry for this variant (Variation ID: 1914676). Invitae Evidence Modeling of protein sequence and biophysical properties (such as structural, functional, and spatial information, amino acid conservation, physicochemical variation, residue mobility, and thermodynamic stability) indicates that this missense variant is not expected to disrupt C11orf70 protein function with a negative predictive value of 80%. In summary, the available evidence is currently insufficient to determine the role of this variant in disease. Therefore, it has been classified as a Variant of Uncertain Significance.

NM_032930.3(CFAP300):c.710A>T (p.Asn237Ile)

Gene: CFAP300 (cilia and flagella associated protein 300; plus strand). Cytogenetic location: 11q22.1.
Variant type: single nucleotide variant.
Coding change: c.710A>T on transcript NM_032930.3 (MANE Select); coding-DNA position 710, A replaced by T.
Protein change: p.Asn237Ile; replaces asparagine 237 with isoleucine.
Molecular consequence: missense variant.
Genome position (GRCh38, 1-based): chr11:102,083,105, A>T. VCF-style: chr11-102083105-A-T. GRCh37 (hg19) VCF-style: chr11-101953836-A-T.
Other names: c.638A>T, p.Asn213Ile (NM_001363505.2); short protein forms N237I, N213I.
Identifiers: ClinVar variation 1914676 (VCV001914676.5), dbSNP rs150444465, ClinGen allele CA6246110.
Genomic context (GRCh38, chr11:102,083,105, plus strand): 5'-TAATAATTTAGGTTTGTCTTTTTCAGGATTCTGCTGGTATGTGCTATCCTTCAGCAAAGA[A>T]TCATGAACAGACATTTTCTTACTTTATTGTGGATCCTATCAGGCGTCACCTTCATGTTTT-3'
Protein context (NP_116319.2, residues 227-247): SAGMCYPSAK[Asn237Ile]HEQTFSYFIV